The following is an entry in ClinVar:

NM_004360.5(CDH1):c.2059G>A (p.Asp687Asn)

Gene: CDH1 (cadherin 1; plus strand). Cytogenetic location: 16q22.1.
Variant type: single nucleotide variant.
Coding change: c.2059G>A on transcript NM_004360.5 (MANE Select); coding-DNA position 2059, G replaced by A.
Protein change: p.Asp687Asn; replaces aspartic acid 687 with asparagine.
Molecular consequence: missense variant.
Genome position (GRCh38, 1-based): chr16:68,823,521, G>A. VCF-style: chr16-68823521-G-A. GRCh37 (hg19) VCF-style: chr16-68857424-G-A.
Other names: c.1876G>A, p.Asp626Asn (NM_001317184.2); c.511G>A, p.Asp171Asn (NM_001317185.2); c.94G>A, p.Asp32Asn (NM_001317186.2); short protein forms D171N, D32N, D626N, D687N.
Identifiers: ClinVar variation 4825322 (VCV004825322.1).

ClinVar aggregate classification (germline): Uncertain significance (1 of 4 stars; one submission).

Conditions:
Hereditary cancer-predisposing syndrome. Also called: Neoplastic Syndromes, Hereditary; Tumor predisposition; Hereditary Cancer Syndrome; Hereditary neoplastic syndrome. Identifiers: Orphanet 140162, MedGen C0027672, MeSH D009386, MONDO:0015356.

Submission:

Ambry Genetics
Classification: Uncertain significance for Hereditary cancer-predisposing syndrome. Last evaluated: 2026-02-26. Review status: criteria provided, single submitter. Criteria: Ambry Variant Classification Scheme 2023. Collection method: clinical testing. Allele origin: germline.
Comment: The p.D687N variant (also known as c.2059G>A), located in coding exon 13 of the CDH1 gene, results from a G to A substitution at nucleotide position 2059. The aspartic acid at codon 687 is replaced by asparagine, an amino acid with highly similar properties. This amino acid position is well conserved in available vertebrate species. In addition, this alteration is predicted to be tolerated by in silico analysis. Based on the available evidence, the clinical significance of this variant remains unclear.